The following is an entry in ClinVar:

NM_002471.4(MYH6):c.856A>G (p.Ile286Val)

Gene: MYH6 (myosin heavy chain 6; minus strand). Cytogenetic location: 14q11.2.
Variant type: single nucleotide variant.
Coding change: c.856A>G on transcript NM_002471.4 (MANE Select); coding-DNA position 856, A replaced by G.
Protein change: p.Ile286Val; replaces isoleucine 286 with valine.
Molecular consequence: missense variant.
Genome position (GRCh38, 1-based): chr14:23,403,390, T>C on the plus strand (A>G on the coding strand, the complement: MYH6 is on the minus strand). VCF-style: chr14-23403390-T-C. GRCh37 (hg19) VCF-style: chr14-23872599-T-C.
Other names: short protein forms I286V.
Identifiers: ClinVar variation 807083 (VCV000807083.48), dbSNP rs1566515400, ClinGen allele CA389028228.

ClinVar aggregate classification (germline): Uncertain significance. Review status: criteria provided, multiple submitters, no conflicts (2 of 4 stars). 2 submissions from 2 submitters: Uncertain significance (2). Last evaluated 2020-10-29.

Conditions:
Hypertrophic cardiomyopathy 14. Identifiers: MedGen C2750467, MONDO:0013197, OMIM 613251.

Allele frequency attached by ClinVar (database versions not stated): gnomAD exomes below 0.00001.
gnomAD v4.1: 7 of 1,613,982 alleles (0.00043%); highest among the groups gnomAD compares: East Asian, 0.0045%; no homozygotes.

Submissions (2):

Labcorp Genetics (formerly Invitae), Labcorp
Classification: Uncertain significance for Hypertrophic cardiomyopathy 14. Last evaluated: 2020-10-29. Review status: criteria provided, single submitter. Criteria: Invitae Variant Classification Sherloc (09022015). Collection method: clinical testing. Allele origin: germline.
Comment: In summary, the available evidence is currently insufficient to determine the role of this variant in disease. Therefore, it has been classified as a Variant of Uncertain Significance. Algorithms developed to predict the effect of missense changes on protein structure and function are either unavailable or do not agree on the potential impact of this missense change (SIFT: "Deleterious"; PolyPhen-2: "Benign"; Align-GVGD: "Class C0"). This variant has not been reported in the literature in individuals with MYH6-related conditions. ClinVar contains an entry for this variant (Variation ID: 807083). This variant is not present in population databases (ExAC no frequency). This sequence change replaces isoleucine with valine at codon 286 of the MYH6 protein (p.Ile286Val). The isoleucine residue is weakly conserved and there is a small physicochemical difference between isoleucine and valine.

CeGaT Center for Human Genetics Tuebingen
Classification: Uncertain significance. Last evaluated: 2019-04-01. Review status: criteria provided, single submitter. Criteria: CeGaT Center For Human Genetics Tuebingen Variant Classification Criteria Version 2. Collection method: clinical testing. Allele origin: germline. Affected: yes. Observed: 1 variant allele.